The following is an entry in ClinVar:

ClinVar aggregate classification (germline): Likely benign (1 of 4 stars; one submission).

gnomAD v4.1: 8 of 1,211,258 alleles (0.00066%); highest among the groups gnomAD compares: South Asian, 0.0035%; no homozygotes.

Submission:

CeGaT Center for Human Genetics Tuebingen
Classification: Likely benign. Last evaluated: 2026-08-01. Review status: criteria provided, single submitter. Criteria: CeGaT Center For Human Genetics Tuebingen Variant Classification Criteria Version 2. Collection method: clinical testing. Allele origin: germline. Affected: yes. Observed: 1 variant allele.
Comment: HUWE1: BS2

NM_031407.7(HUWE1):c.7081G>A (p.Gly2361Arg)

Gene: HUWE1 (HECT, UBA and WWE domain containing E3 ubiquitin protein ligase 1; minus strand). Cytogenetic location: Xp11.22.
Variant type: single nucleotide variant.
Coding change: c.7081G>A on transcript NM_031407.7 (MANE Select); coding-DNA position 7081, G replaced by A.
Protein change: p.Gly2361Arg; replaces glycine 2361 with arginine.
Molecular consequence: missense variant.
Genome position (GRCh38, 1-based): chrX:53,563,770, C>T on the plus strand (G>A on the coding strand, the complement: HUWE1 is on the minus strand). VCF-style: chrX-53563770-C-T. GRCh37 (hg19) VCF-style: chrX-53590731-C-T.
Other names: c.7081G>A, p.Gly2361Arg (NM_001441052.1, NM_001441054.1, NM_001441057.1 and 1 more transcripts); c.7078G>A, p.Gly2360Arg (NM_001441053.1, NM_001441056.1, NM_001441058.1 and 2 more transcripts); c.7102G>A, p.Gly2368Arg (NM_001441055.1, NM_001441050.1); short protein forms G2360R, G2361R, G2368R.
Identifiers: ClinVar variation 5039279 (VCV005039279.1).